The following is an entry in ClinVar:

ClinVar aggregate classification (germline): Uncertain significance. Review status: criteria provided, multiple submitters, no conflicts (2 of 4 stars). 2 submissions from 2 submitters: Uncertain significance (2). Last evaluated 2024-03-06.

Conditions:
Wilson disease (WND). Also called: Wilson's disease. Identifiers: Orphanet 905, MedGen C0019202, MONDO:0010200, OMIM 277900. Disease mechanism: loss of function.

Allele frequency attached by ClinVar (database versions not stated): gnomAD exomes below 0.00001; ExAC 0.00001; TOPMed 0.00001; gnomAD 0.00004.
gnomAD v4.1: 17 of 1,613,988 alleles (0.0011%); highest among the groups gnomAD compares: Non-Finnish European, 0.0014%; no homozygotes.

Submissions (2):

Color Diagnostics, LLC DBA Color Health
Classification: Uncertain significance for Wilson disease. Last evaluated: 2024-03-06. Review status: criteria provided, single submitter. Criteria: ACMG Guidelines, 2015. Collection method: clinical testing. Allele origin: germline.
Comment: This missense variant replaces histidine with tyrosine at codon 375 of the ATP7B protein. Computational prediction suggests that this variant may not impact protein structure and function. To our knowledge, functional studies have not been reported for this variant. This variant has not been reported in individuals affected with ATP7B-related disorders in the literature. This variant has been identified in 3/280942 chromosomes in the general population by the Genome Aggregation Database (gnomAD). The available evidence is insufficient to determine the role of this variant in disease conclusively. Therefore, this variant is classified as a Variant of Uncertain Significance.

Mayo Clinic Laboratories, Mayo Clinic
Classification: Uncertain significance. Last evaluated: 2024-02-05. Review status: criteria provided, single submitter. Criteria: ACMG Guidelines, 2015. Collection method: clinical testing. Allele origin: germline. Observed: 1 variant allele.
Comment: PM2_moderate

NM_000053.4(ATP7B):c.1123C>T (p.His375Tyr)

Gene: ATP7B (ATPase copper transporting beta; minus strand). Cytogenetic location: 13q14.3.
Variant type: single nucleotide variant.
Coding change: c.1123C>T on transcript NM_000053.4 (MANE Select); coding-DNA position 1123, C replaced by T.
Protein change: p.His375Tyr; replaces histidine 375 with tyrosine.
Molecular consequence: missense variant. On other transcripts: intron variant (1).
Genome position (GRCh38, 1-based): chr13:51,974,097, G>A on the plus strand (C>T on the coding strand, the complement: ATP7B is on the minus strand). VCF-style: chr13-51974097-G-A. GRCh37 (hg19) VCF-style: chr13-52548233-G-A.
Other names: p.His375Tyr; c.1123C>T, p.His375Tyr (NM_001005918.3, NM_001330578.2, NM_001330579.2); c.803-13C>T (NM_001243182.2); short protein forms H375Y.
Identifiers: ClinVar variation 3380154 (VCV003380154.2), dbSNP rs774226215.